The following is an entry in ClinVar:

ClinVar aggregate classification (germline): Uncertain significance (1 of 4 stars; one submission).

Conditions:
ERCC6-related disorder. Also called: ERCC6-related condition; ERCC6-related disorders. Identifiers: MedGen CN239385.

gnomAD v4.1: 14 of 1,614,090 alleles (0.00087%); highest among the groups gnomAD compares: African/African-American, 0.0053%; no homozygotes.

Submission:

PreventionGenetics, part of Exact Sciences
Classification: Uncertain significance for ERCC6-related condition. Last evaluated: 2025-11-06. Review status: criteria provided, single submitter. Criteria: ACMG Guidelines, 2015. Collection method: clinical testing. Allele origin: germline.
Comment: The ERCC6 c.2239C>T variant is predicted to result in the amino acid substitution p.Arg747Cys. To our knowledge, this variant has not been reported in the literature. In an alternate transcript, NM_000124, this variant is intronic (c.1397+7753C>T). This variant is reported in 0.0065% of alleles in individuals of South Asian descent in gnomAD. At this time, the clinical significance of this variant is uncertain due to the absence of conclusive functional and genetic evidence.

NM_001277058.2(ERCC6):c.2239C>T (p.Arg747Cys)

Genes: ERCC6 (ERCC excision repair 6, chromatin remodeling factor; minus strand), PGBD3 (piggyBac transposable element derived 3; minus strand). Cytogenetic location: 10q11.23.
Variant type: single nucleotide variant.
Coding change: c.2239C>T on transcript NM_001277058.2 (MANE Plus Clinical); coding-DNA position 2239, C replaced by T.
Protein change: p.Arg747Cys; replaces arginine 747 with cysteine.
Molecular consequence: missense variant. On other transcripts: intron variant (2).
Genome position (GRCh38, 1-based): chr10:49,516,280, G>A on the plus strand (C>T on the coding strand, the complement: ERCC6 is on the minus strand). VCF-style: chr10-49516280-G-A. GRCh37 (hg19) VCF-style: chr10-50724326-G-A.
Other names: c.2239C>T, p.Arg747Cys (NM_001277059.2); c.835C>T, p.Arg279Cys (NM_170753.3); c.1397+7753C>T (NM_001346440.2, NM_000124.4); short protein forms R279C, R747C.
Identifiers: ClinVar variation 4983757 (VCV004983757.1).
Genomic context (GRCh38, chr10:49,516,280, plus strand): 5'-ACCAAAACTTATAGCCAAACCGAATGGGCTTTCCCCGAATAAATTGTTTGCACCCGTGAC[G>A]ACCAAAATAAGGAACCATGAATTCATCAAAGCTGAAATATGTTTCATTTGGAACAAATTT-3'
Protein context (NP_001263987.1, residues 737-757): FDEFMVPYFG[Arg747Cys]HGCKQFIRGK